The following is an entry in ClinVar:

NM_080425.4(GNAS):c.1642G>C (p.Ala548Pro)

Gene: GNAS (GNAS complex locus; plus strand). Cytogenetic location: 20q13.32.
Variant type: single nucleotide variant.
Coding change: c.1642G>C on transcript NM_080425.4 (MANE Plus Clinical); coding-DNA position 1642, G replaced by C.
Protein change: p.Ala548Pro; replaces alanine 548 with proline.
Molecular consequence: missense variant. On other transcripts: synonymous variant (2), intron variant (3), genic upstream transcript variant (1).
Genome position (GRCh38, 1-based): chr20:58,854,907, G>C. VCF-style: chr20-58854907-G-C. GRCh37 (hg19) VCF-style: chr20-57429962-G-C.
Other names: c.1455G>C, p.Ala485= (NM_001077490.3, NM_001309883.1); c.1642G>C, p.Ala548Pro (NM_001410913.1); c.*42+14021G>C (NM_016592.5); c.43+14021G>C (NM_001410912.1); c.-39+13032G>C (NM_001309861.2); c.-36820G>C (NM_000516.7); short protein forms A548P.
Identifiers: ClinVar variation 3063727 (VCV003063727.1), dbSNP rs760016801, ClinGen allele CA9926727.

ClinVar aggregate classification (germline): Uncertain significance (1 of 4 stars; one submission).

Allele frequency attached by ClinVar (database versions not stated): TOPMed 0.00002; gnomAD 0.00003.
gnomAD v4.1: 6 of 1,595,926 alleles (0.00038%); highest among the groups gnomAD compares: African/African-American, 0.008%; no homozygotes.

Submission:

Women's Health and Genetics/Laboratory Corporation of America, LabCorp
Classification: Uncertain significance. Last evaluated: 2024-01-31. Review status: criteria provided, single submitter. Criteria: LabCorp Variant Classification Summary - May 2015. Collection method: clinical testing. Allele origin: germline.
Comment: Variant summary: GNAS c.1642G>C p.Ala548Pro in NM_080425.4 (also known as c.-36820G>C in NM_000516.7) results in a non-conservative amino acid change located of the encoded protein sequence. Three of four in-silico tools predict a benign effect of the variant on protein function. The variant allele was found at a frequency of 3.8e-06 in 1595926 control chromosomes, predominantly at a frequency of 8e-05 within the African or African-American subpopulation in the gnomAD database v4. The available data on variant occurrences in the general population are insufficient to allow any conclusion about variant significance. To our knowledge, no occurrence of c.1642G>C in individuals affected with GNAS-Related Disorders and no experimental evidence demonstrating its impact on protein function have been reported. No submitters have cited clinical-significance assessments for this variant to ClinVar. Based on the evidence outlined above, the variant was classified as uncertain significance.